The following is an entry in ClinVar:

ClinVar aggregate classification (germline): Uncertain significance (1 of 4 stars; one submission).

gnomAD v4.1: 10 of 1,614,180 alleles (0.00062%); highest among the groups gnomAD compares: Non-Finnish European, 0.00085%; no homozygotes.

Submission:

Labcorp Genetics (formerly Invitae), Labcorp
Classification: Uncertain significance. Last evaluated: 2024-02-24. Review status: criteria provided, single submitter. Criteria: Invitae Variant Classification Sherloc (09022015). Collection method: clinical testing. Allele origin: germline.
Comment: This sequence change replaces tyrosine, which is neutral and polar, with cysteine, which is neutral and slightly polar, at codon 1258 of the LRP2 protein (p.Tyr1258Cys). This variant is not present in population databases (gnomAD no frequency). This variant has not been reported in the literature in individuals affected with LRP2-related conditions. ClinVar contains an entry for this variant (Variation ID: 1379407). An algorithm developed to predict the effect of missense changes on protein structure and function (PolyPhen-2) suggests that this variant¬†is likely to be tolerated. In summary, the available evidence is currently insufficient to determine the role of this variant in disease. Therefore, it has been classified as a Variant of Uncertain Significance.

NM_004525.3(LRP2):c.3773A>G (p.Tyr1258Cys)

Gene: LRP2 (LDL receptor related protein 2; minus strand). Cytogenetic location: 2q31.1.
Variant type: single nucleotide variant.
Coding change: c.3773A>G on transcript NM_004525.3 (MANE Select); coding-DNA position 3773, A replaced by G.
Protein change: p.Tyr1258Cys; replaces tyrosine 1258 with cysteine.
Molecular consequence: missense variant.
Genome position (GRCh38, 1-based): chr2:169,241,260, T>C on the plus strand (A>G on the coding strand, the complement: LRP2 is on the minus strand). VCF-style: chr2-169241260-T-C. GRCh37 (hg19) VCF-style: chr2-170097770-T-C.
Other names: short protein forms Y1258C.
Identifiers: ClinVar variation 1379407 (VCV001379407.4), dbSNP rs1689792866, ClinGen allele CA349148282.